The following is an entry in ClinVar:

NM_015627.3(LDLRAP1):c.412A>C (p.Asn138His)

Gene: LDLRAP1 (low density lipoprotein receptor adaptor protein 1; plus strand). Cytogenetic location: 1p36.11.
Variant type: single nucleotide variant.
Coding change: c.412A>C on transcript NM_015627.3 (MANE Select); coding-DNA position 412, A replaced by C.
Protein change: p.Asn138His; replaces asparagine 138 with histidine.
Molecular consequence: missense variant.
Genome position (GRCh38, 1-based): chr1:25,557,220, A>C. VCF-style: chr1-25557220-A-C. GRCh37 (hg19) VCF-style: chr1-25883711-A-C.
Other names: short protein forms N138H.
Identifiers: ClinVar variation 5023561 (VCV005023561.1).

ClinVar aggregate classification (germline): Uncertain significance (1 of 4 stars; one submission).

Conditions:
Cardiovascular phenotype. Identifiers: MedGen CN230736.

Submission:

Ambry Genetics
Classification: Uncertain significance for Cardiovascular phenotype. Last evaluated: 2026-08-08. Review status: criteria provided, single submitter. Criteria: Ambry Variant Classification Scheme 2023. Collection method: clinical testing. Allele origin: germline.
Comment: The p.N138H variant (also known as c.412A>C), located in coding exon 4 of the LDLRAP1 gene, results from an A to C substitution at nucleotide position 412. The asparagine at codon 138 is replaced by histidine, an amino acid with similar properties. This amino acid position is conserved. In addition, this alteration is predicted to be tolerated by in silico analysis. Based on the available evidence, the clinical significance of this variant remains unclear.